The following is an entry in ClinVar:

ClinVar aggregate classification (germline): Uncertain significance (0 of 4 stars; one submission).

Conditions:
FUS-related disorder. Also called: FUS-related condition.

gnomAD v4.1: 4 of 757,718 alleles (0.00053%); highest among the groups gnomAD compares: African/African-American, 0.0069%; no homozygotes.

Submission:

PreventionGenetics, part of Exact Sciences
Classification: Uncertain significance for FUS-related condition. Last evaluated: 2024-05-08. Review status: no assertion criteria provided. Collection method: clinical testing. Allele origin: germline.
Comment: The FUS c.*176C>T variant is located in the 3' untranslated region. To our knowledge, this variant has not been reported in the literature. This variant is reported in 0.013% of alleles in individuals of African descent in gnomAD. At this time, the clinical significance of this variant is uncertain due to the absence of conclusive functional and genetic evidence.

NM_004960.3(FUS):c.*176C>T

Gene: FUS (FUS DNA/RNA binding protein; plus strand). Cytogenetic location: 16p11.2.
Variant type: single nucleotide variant.
Coding change: c.*176C>T on transcript NM_004960.3; 176 bases downstream of the stop codon, C replaced by T.
Molecular consequence: non-coding transcript variant (on NR_028388.2). On other transcripts: 3 prime UTR variant (2).
Genome position (GRCh38, 1-based): chr16:31,191,614, C>T. VCF-style: chr16-31191614-C-T. GRCh37 (hg19) VCF-style: chr16-31202935-C-T.
Other names: c.*176C>T (NM_001170634.1, NM_001170937.1).
Identifiers: ClinVar variation 3358166 (VCV003358166.1).